The following is an entry in ClinVar:

NM_006929.5(SKIC2):c.2020_2021insCGGAGTAAACATGCCTGCTC (p.Arg674delinsProGluTer)

Gene: SKIC2 (SKI2 subunit of superkiller complex; plus strand). Cytogenetic location: 6p21.33.
Variant type: Insertion.
Coding change: c.2020_2021insCGGAGTAAACATGCCTGCTC on transcript NM_006929.5 (MANE Select); coding-DNA positions 2020 to 2021, CGGAGTAAACATGCCTGCTC inserted.
Protein change: p.Arg674delinsProGluTer.
Molecular consequence: nonsense.
Genome position: GRCh38 VCF-style: chr6-31965812-G-GGGAGTAAACATGCCTGCTCC. GRCh37 (hg19) VCF-style: chr6-31933589-G-GGGAGTAAACATGCCTGCTCC.
Identifiers: ClinVar variation 2845631 (VCV002845631.3), dbSNP rs2482962077, ClinGen allele CA2739272881.
Genomic context (GRCh38, chr6:31,965,812, plus strand): 5'-TGCTGATCCTTTCTGTTCTCCTCTGTCCCAGGTCTTGTTTGCCACAGAGACCTTTGCCAT[G>GGGAGTAAACATGCCTGCTCC]GGAGTAAACATGCCTGCTCGTACAGTAGTGTTTGACTCCATGCGCAAACACGATGGCTCC-3'

ClinVar aggregate classification (germline): Pathogenic (1 of 4 stars; one submission).

Submission:

Labcorp Genetics (formerly Invitae), Labcorp
Classification: Pathogenic. Last evaluated: 2023-03-14. Review status: criteria provided, single submitter. Criteria: Invitae Variant Classification Sherloc (09022015). Collection method: clinical testing. Allele origin: germline.
Comment: This sequence change creates a premature translational stop signal (p.Arg674Profs*3) in the SKIV2L gene. It is expected to result in an absent or disrupted protein product. Loss-of-function variants in SKIV2L are known to be pathogenic (PMID: 22444670). This variant is not present in population databases (gnomAD no frequency). This variant has not been reported in the literature in individuals affected with SKIV2L-related conditions. For these reasons, this variant has been classified as Pathogenic.

Literature cited by the submitters: PubMed 22444670.